The following is an entry in ClinVar:

ClinVar aggregate classification (germline): Uncertain significance. Review status: criteria provided, multiple submitters, no conflicts (2 of 4 stars). 2 submissions from 2 submitters: Uncertain significance (2). Last evaluated 2022-09-08.

Conditions:
Inborn genetic diseases. Identifiers: MedGen C0950123, MeSH D030342.
MOGS-congenital disorder of glycosylation. Also called: MOGS-CDG; CDG IIb; GLUCOSIDASE I DEFICIENCY; CDG 2B. Identifiers: Orphanet 79330, MedGen C1853736, MONDO:0011629, OMIM 606056.

gnomAD v4.1: 8 of 1,614,098 alleles (0.0005%); highest among the groups gnomAD compares: Non-Finnish European, 0.00068%; no homozygotes.

Submissions (2):

Labcorp Genetics (formerly Invitae), Labcorp
Classification: Uncertain significance for MOGS-congenital disorder of glycosylation. Last evaluated: 2022-09-08. Review status: criteria provided, single submitter. Criteria: Invitae Variant Classification Sherloc (09022015). Collection method: clinical testing. Allele origin: germline.
Comment: This variant has not been reported in the literature in individuals affected with MOGS-related conditions. This variant is present in population databases (rs762952481, gnomAD 0.0009%). This sequence change replaces cysteine, which is neutral and slightly polar, with tyrosine, which is neutral and polar, at codon 137 of the MOGS protein (p.Cys137Tyr). ClinVar contains an entry for this variant (Variation ID: 1512949). In summary, the available evidence is currently insufficient to determine the role of this variant in disease. Therefore, it has been classified as a Variant of Uncertain Significance. Algorithms developed to predict the effect of missense changes on protein structure and function are either unavailable or do not agree on the potential impact of this missense change (SIFT: "Deleterious"; PolyPhen-2: "Probably Damaging"; Align-GVGD: "Class C0").

Ambry Genetics
Classification: Uncertain significance for Inborn genetic diseases. Last evaluated: 2021-11-08. Review status: criteria provided, single submitter. Criteria: Ambry Variant Classification Scheme 2023. Collection method: clinical testing. Allele origin: germline.

NM_006302.3(MOGS):c.410G>A (p.Cys137Tyr)

Gene: MOGS (mannosyl-oligosaccharide glucosidase; minus strand). Cytogenetic location: 2p13.1.
Variant type: single nucleotide variant.
Coding change: c.410G>A on transcript NM_006302.3 (MANE Select); coding-DNA position 410, G replaced by A.
Protein change: p.Cys137Tyr; replaces cysteine 137 with tyrosine.
Molecular consequence: missense variant.
Genome position (GRCh38, 1-based): chr2:74,464,665, C>T on the plus strand (G>A on the coding strand, the complement: MOGS is on the minus strand). VCF-style: chr2-74464665-C-T. GRCh37 (hg19) VCF-style: chr2-74691792-C-T.
Other names: c.410G>A (NM_006302.2); c.92G>A, p.Cys31Tyr (NM_001146158.2); short protein forms C137Y, C31Y.
Identifiers: ClinVar variation 1512949 (VCV001512949.9), dbSNP rs762952481, ClinGen allele CA1725034.